The following is an entry in ClinVar:

ClinVar aggregate classification (germline): Benign. Review status: criteria provided, multiple submitters, no conflicts (2 of 4 stars). 3 submissions from 3 submitters: Benign (2). 1 of the submissions does not count toward it. Last evaluated 2018-01-13.

Conditions:
COG5-related disorder. Also called: COG5-related condition.
COG5-congenital disorder of glycosylation. Also called: COG5-CDG; CDG IIi; CONGENITAL DISORDER OF GLYCOSYLATION, TYPE IIi. Identifiers: Orphanet 263487, MedGen C3150876, MONDO:0013325, OMIM 613612.

Allele frequency attached by ClinVar (database versions not stated): gnomAD exomes 0.00302 and 0.00141; ESP Exome Variant Server 0.01198; 1000 Genomes Project 0.01597; TOPMed 0.01609; gnomAD 0.01489 and 0.01375; ExAC 0.00575.
gnomAD v4.1: 4,166 of 1,561,280 alleles (0.27%); highest among the groups gnomAD compares: African/African-American, 4.7%; 95 homozygotes.

Submissions (3):

Illumina Laboratory Services, Illumina
Classification: Benign for COG5-congenital disorder of glycosylation. Last evaluated: 2018-01-13. Review status: criteria provided, single submitter. Criteria: ICSL Variant Classification Criteria 13 December 2019. Collection method: clinical testing. Allele origin: germline.
Comment: This variant was observed in the ICSL laboratory as part of a predisposition screen in an ostensibly healthy population. It had not been previously curated by ICSL or reported in the Human Gene Mutation Database (HGMD: prior to June 1st, 2018), and was therefore a candidate for classification through an automated scoring system. Utilizing variant allele frequency, disease prevalence and penetrance estimates, and inheritance mode, an automated score was calculated to assess if this variant is too frequent to cause the disease. Based on the score and internal cut-off values, a variant classified as benign is not then subjected to further curation. The score for this variant resulted in a classification of benign for this disease.

GeneDx
Classification: Benign. Last evaluated: 2015-12-23. Review status: criteria provided, single submitter. Criteria: GeneDx Variant Classification (06012015). Collection method: clinical testing. Allele origin: germline. Affected: yes.
Comment: This variant is considered likely benign or benign based on one or more of the following criteria: it is a conservative change, it occurs at a poorly conserved position in the protein, it is predicted to be benign by multiple in silico algorithms, and/or has population frequency not consistent with disease.

PreventionGenetics, part of Exact Sciences
Classification: Benign for COG5-related condition. Last evaluated: 2019-03-11. Review status: no assertion criteria provided. Collection method: clinical testing. Allele origin: germline. Not counted in ClinVar's aggregate classification.
Comment: This variant is classified as benign based on ACMG/AMP sequence variant interpretation guidelines (Richards et al. 2015 PMID: 25741868, with internal and published modifications).

NM_006348.3(COG5):c.-6G>A

Genes: DUS4L-BCAP29 (DUS4L-BCAP29 readthrough; plus strand), COG5 (component of oligomeric golgi complex 5; minus strand), DUS4L (dihydrouridine synthase 4 like; plus strand). Cytogenetic location: 7q22.3.
Variant type: single nucleotide variant.
Coding change: c.-6G>A on transcript NM_006348.3; 6 bases upstream of the start codon, G replaced by A.
Molecular consequence: 5 prime UTR variant (on NM_181581.3). On other transcripts: non-coding transcript variant (7).
Genome position (GRCh38, 1-based): chr7:107,563,995, C>T on the plus strand (G>A on the coding strand, the complement: COG5 is on the minus strand). VCF-style: chr7-107563995-C-T. GRCh37 (hg19) VCF-style: chr7-107204440-C-T.
Other names: c.-175C>T (NM_001270419.2); c.-325C>T (NM_181581.3, NM_001371364.2, NM_001371366.2); c.-363C>T (NM_001371365.2); c.-236C>T (NM_001371367.2).
Identifiers: ClinVar variation 358480 (VCV000358480.9), dbSNP rs55840928, ClinGen allele CA4431626.